The following is an entry in ClinVar:

NM_022841.7(RFX7):c.3879T>G (p.Phe1293Leu)

Gene: RFX7 (regulatory factor X7; minus strand). Cytogenetic location: 15q21.3.
Variant type: single nucleotide variant.
Coding change: c.3879T>G on transcript NM_022841.7 (MANE Select); coding-DNA position 3879, T replaced by G.
Protein change: p.Phe1293Leu; replaces phenylalanine 1293 with leucine.
Molecular consequence: missense variant.
Genome position (GRCh38, 1-based): chr15:56,093,849, A>C on the plus strand (T>G on the coding strand, the complement: RFX7 is on the minus strand). VCF-style: chr15-56093849-A-C. GRCh37 (hg19) VCF-style: chr15-56386047-A-C.
Other names: c.3588T>G, p.Phe1196Leu (NM_001368073.2, NM_001368074.1, NM_001370554.1); c.3879T>G, p.Phe1293Leu (NM_001370561.1); short protein forms F1196L, F1293L.
Identifiers: ClinVar variation 4822964 (VCV004822964.4).

ClinVar aggregate classification (germline): Likely benign (1 of 4 stars; one submission).

gnomAD v4.1: 18 of 1,613,832 alleles (0.0011%); highest among the groups gnomAD compares: Non-Finnish European, 0.0013%; no homozygotes.

Submission:

CeGaT Center for Human Genetics Tuebingen
Classification: Likely benign. Last evaluated: 2026-01-01. Review status: criteria provided, single submitter. Criteria: CeGaT Center For Human Genetics Tuebingen Variant Classification Criteria Version 2. Collection method: clinical testing. Allele origin: germline. Affected: yes. Observed: 1 variant allele.
Comment: RFX7: BP1